The following is an entry in ClinVar:

NM_000271.5(NPC1):c.2083C>G (p.Leu695Val)

Gene: NPC1 (NPC intracellular cholesterol transporter 1; minus strand). Cytogenetic location: 18q11.2.
Variant type: single nucleotide variant.
Coding change: c.2083C>G on transcript NM_000271.5 (MANE Select); coding-DNA position 2083, C replaced by G.
Protein change: p.Leu695Val; replaces leucine 695 with valine.
Molecular consequence: missense variant.
Genome position (GRCh38, 1-based): chr18:23,544,391, G>C on the plus strand (C>G on the coding strand, the complement: NPC1 is on the minus strand). VCF-style: chr18-23544391-G-C. GRCh37 (hg19) VCF-style: chr18-21124355-G-C.
Other names: short protein forms L695V.
Identifiers: ClinVar variation 1500772 (VCV001500772.7), dbSNP rs370323921, ClinGen allele CA8913230.
Genomic context (GRCh38, chr18:23,544,391, plus strand): 5'-TATGGAAGTATACCTGGTAGGCCTGCACCAGAATGAAGATGTTGTCCACTCCAACAGCCA[G>C]CACCAGGAACGGGATGACTTCAATCACAATGAGGGTCAAGGGCAACCCAATGTAGCTGAA-3'
Protein context (NP_000262.2, residues 685-705): IVIEVIPFLV[Leu695Val]AVGVDNIFIL

ClinVar aggregate classification (germline): Uncertain significance. Review status: criteria provided, multiple submitters, no conflicts (2 of 4 stars). 2 submissions from 2 submitters: Uncertain significance (2). Last evaluated 2024-10-30.

Conditions:
Niemann-Pick disease, type C1. Also called: NIEMANN-PICK DISEASE, VARIANT TYPE C1; NEUROVISCERAL STORAGE DISEASE WITH VERTICAL SUPRANUCLEAR OPHTHALMOPLEGIA; NIEMANN-PICK DISEASE WITH CHOLESTEROL ESTERIFICATION BLOCK; NIEMANN-PICK DISEASE WITHOUT SPHINGOMYELINASE DEFICIENCY; NIEMANN-PICK DISEASE, CHRONIC NEURONOPATHIC FORM. Identifiers: Orphanet 646, MedGen C3179455, MONDO:0009757, OMIM 257220.

Allele frequency attached by ClinVar (database versions not stated): ExAC 0.00001; gnomAD 0.00001; gnomAD exomes 0.00001; TOPMed 0.00002; ESP Exome Variant Server 0.00008.
gnomAD v4.1: 11 of 1,614,066 alleles (0.00068%); highest among the groups gnomAD compares: Non-Finnish European, 0.00093%; no homozygotes.

Submissions (2):

Labcorp Genetics (formerly Invitae), Labcorp
Classification: Uncertain significance for Niemann-Pick disease, type C1. Last evaluated: 2024-10-30. Review status: criteria provided, single submitter. Criteria: Invitae Variant Classification Sherloc (09022015). Collection method: clinical testing. Allele origin: germline.
Comment: This sequence change replaces leucine, which is neutral and non-polar, with valine, which is neutral and non-polar, at codon 695 of the NPC1 protein (p.Leu695Val). This variant is present in population databases (rs370323921, gnomAD 0.0009%). This missense change has been observed in individual(s) with Niemann-Pick disease type C (PMID: 12955717). ClinVar contains an entry for this variant (Variation ID: 1500772). Invitae Evidence Modeling of protein sequence and biophysical properties (such as structural, functional, and spatial information, amino acid conservation, physicochemical variation, residue mobility, and thermodynamic stability) indicates that this missense variant is expected to disrupt NPC1 protein function with a positive predictive value of 95%. In summary, the available evidence is currently insufficient to determine the role of this variant in disease. Therefore, it has been classified as a Variant of Uncertain Significance.

Women's Health and Genetics/Laboratory Corporation of America, LabCorp
Classification: Uncertain significance. Last evaluated: 2024-05-21. Review status: criteria provided, single submitter. Criteria: LabCorp Variant Classification Summary - May 2015. Collection method: clinical testing. Allele origin: germline.
Comment: Variant summary: NPC1 c.2083C>G (p.Leu695Val) results in a conservative amino acid change located in the Sterol-sensing domain (IPR000731) of the encoded protein sequence. Four of five in-silico tools predict a damaging effect of the variant on protein function. The variant was absent in 251430 control chromosomes (gnomAD). The available data on variant occurrences in the general population are insufficient to allow any conclusion about variant significance. c.2083C>G has been reported in the literature in an individual(s) affected with Niemann-Pick Disease Type C without strong evidence of causality (Park_2003). This report does not provide unequivocal conclusions about association of the variant with Niemann-Pick Disease Type C. To our knowledge, no experimental evidence demonstrating an impact on protein function has been reported. The following publication has been ascertained in the context of this evaluation (PMID: 12955717). ClinVar contains an entry for this variant (Variation ID: 1500772). Based on the evidence outlined above, the variant was classified as uncertain significance.

Literature cited by the submitters: PubMed 12955717 (cited by Labcorp Genetics (formerly Invitae), Labcorp and Women's Health and Genetics/Laboratory Corporation of America, LabCorp).